The following is an entry in ClinVar:

NM_001130438.3(SPTAN1):c.5921A>G (p.Lys1974Arg)

Gene: SPTAN1 (spectrin alpha, non-erythrocytic 1; plus strand). Cytogenetic location: 9q34.11.
Variant type: single nucleotide variant.
Coding change: c.5921A>G on transcript NM_001130438.3 (MANE Select); coding-DNA position 5921, A replaced by G.
Protein change: p.Lys1974Arg; replaces lysine 1974 with arginine.
Molecular consequence: missense variant.
Genome position (GRCh38, 1-based): chr9:128,624,416, A>G. VCF-style: chr9-128624416-A-G. GRCh37 (hg19) VCF-style: chr9-131386695-A-G.
Other names: c.5846A>G, p.Lys1949Arg (NM_001195532.2); c.5921A>G, p.Lys1974Arg (NM_001363759.2, NM_001375310.1, NM_001375311.2 and 1 more transcripts); c.5861A>G, p.Lys1954Arg (NM_001363765.2, NM_001375314.2); c.5957A>G, p.Lys1986Arg (NM_001375312.2, NM_001375318.1); c.5906A>G, p.Lys1969Arg (NM_003127.4); c.5921A>G (NM_001130438.2); short protein forms K1949R, K1954R, K1969R, K1974R, K1986R.
Identifiers: ClinVar variation 1067924 (VCV001067924.11), dbSNP rs1858423393, ClinGen allele CA375082504.

ClinVar aggregate classification (germline): Conflicting classifications of pathogenicity. Review status: criteria provided, conflicting classifications (1 of 4 stars). 2 submissions from 2 submitters: Likely pathogenic (1); Uncertain significance (1). Last evaluated 2024-01-30.

Conditions:
Early-infantile DEE. Also called: Ohtahara syndrome; Early infantile epileptic encephalopathy with suppression bursts; Early infantile epileptic encephalopathy. Identifiers: Orphanet 1934, MedGen C0393706, MONDO:0800491.

Allele frequency attached by ClinVar (database versions not stated): TOPMed below 0.00001; gnomAD exomes 0.00001.
gnomAD v4.1: 10 of 1,614,060 alleles (0.00062%); highest among the groups gnomAD compares: Non-Finnish European, 0.00076%; no homozygotes.

Submissions (2):

Labcorp Genetics (formerly Invitae), Labcorp
Classification: Likely pathogenic for Early-infantile DEE. Last evaluated: 2024-01-30. Review status: criteria provided, single submitter. Criteria: Invitae Variant Classification Sherloc (09022015). Collection method: clinical testing. Allele origin: germline.
Comment: This sequence change replaces lysine, which is basic and polar, with arginine, which is basic and polar, at codon 1974 of the SPTAN1 protein (p.Lys1974Arg). This variant is not present in population databases (gnomAD no frequency). This missense change has been observed in individual(s) with features of SPTAN1-related conditions (Invitae). In at least one individual the variant was observed to be de novo. ClinVar contains an entry for this variant (Variation ID: 1067924). Advanced modeling of protein sequence and biophysical properties (such as structural, functional, and spatial information, amino acid conservation, physicochemical variation, residue mobility, and thermodynamic stability) has been performed at Invitae for this missense variant, however the output from this modeling did not meet the statistical confidence thresholds required to predict the impact of this variant on SPTAN1 protein function. In summary, the currently available evidence indicates that the variant is pathogenic, but additional data are needed to prove that conclusively. Therefore, this variant has been classified as Likely Pathogenic.

GeneDx
Classification: Uncertain significance. Last evaluated: 2023-07-29. Review status: criteria provided, single submitter. Criteria: GeneDx Variant Classification Process June 2021. Collection method: clinical testing. Allele origin: germline. Affected: yes.
Comment: Not observed at significant frequency in large population cohorts (gnomAD); Has not been previously published as pathogenic or benign to our knowledge; In silico analysis supports that this missense variant does not alter protein structure/function